The following is an entry in ClinVar:

NM_032444.4(SLX4):c.5309T>A (p.Val1770Glu)

Gene: SLX4 (SLX4 structure-specific endonuclease subunit; minus strand). Cytogenetic location: 16p13.3.
Variant type: single nucleotide variant.
Coding change: c.5309T>A on transcript NM_032444.4 (MANE Select); coding-DNA position 5309, T replaced by A.
Protein change: p.Val1770Glu; replaces valine 1770 with glutamic acid.
Molecular consequence: missense variant.
Genome position (GRCh38, 1-based): chr16:3,582,538, A>T on the plus strand (T>A on the coding strand, the complement: SLX4 is on the minus strand). VCF-style: chr16-3582538-A-T. GRCh37 (hg19) VCF-style: chr16-3632539-A-T.
Other names: short protein forms V1770E.
Identifiers: ClinVar variation 1906196 (VCV001906196.5), dbSNP rs2548206380, ClinGen allele CA394513764.

ClinVar aggregate classification (germline): Uncertain significance (1 of 4 stars; one submission).

Conditions:
Fanconi anemia (FA). Also called: Fanconi's anemia. Identifiers: Orphanet 84, MedGen C0015625, MeSH D005199, MONDO:0019391.

Submission:

Labcorp Genetics (formerly Invitae), Labcorp
Classification: Uncertain significance for Fanconi anemia. Last evaluated: 2022-12-18. Review status: criteria provided, single submitter. Criteria: Invitae Variant Classification Sherloc (09022015). Collection method: clinical testing. Allele origin: germline.
Comment: This sequence change replaces valine, which is neutral and non-polar, with glutamic acid, which is acidic and polar, at codon 1770 of the SLX4 protein (p.Val1770Glu). This variant is not present in population databases (gnomAD no frequency). This variant has not been reported in the literature in individuals affected with SLX4-related conditions. Algorithms developed to predict the effect of missense changes on protein structure and function (SIFT, PolyPhen-2, Align-GVGD) all suggest that this variant is likely to be disruptive. In summary, the available evidence is currently insufficient to determine the role of this variant in disease. Therefore, it has been classified as a Variant of Uncertain Significance.